The following is an entry in ClinVar:

NM_005219.5(DIAPH1):c.1439A>G (p.Lys480Arg)

Gene: DIAPH1 (diaphanous related formin 1; minus strand). Cytogenetic location: 5q31.3.
Variant type: single nucleotide variant.
Coding change: c.1439A>G on transcript NM_005219.5 (MANE Select); coding-DNA position 1439, A replaced by G.
Protein change: p.Lys480Arg; replaces lysine 480 with arginine.
Molecular consequence: missense variant.
Genome position (GRCh38, 1-based): chr5:141,576,252, T>C on the plus strand (A>G on the coding strand, the complement: DIAPH1 is on the minus strand). VCF-style: chr5-141576252-T-C. GRCh37 (hg19) VCF-style: chr5-140955819-T-C.
Other names: c.1412A>G, p.Lys471Arg (NM_001079812.3); c.1439A>G, p.Lys480Arg (NM_001314007.2); short protein forms K471R, K480R.
Identifiers: ClinVar variation 1436332 (VCV001436332.9), dbSNP rs547070097, ClinGen allele CA3479298.

ClinVar aggregate classification (germline): Uncertain significance. Review status: criteria provided, multiple submitters, no conflicts (2 of 4 stars). 3 submissions from 3 submitters: Uncertain significance (3). Last evaluated 2025-10-15.

Conditions:
Progressive microcephaly-seizures-cortical blindness-developmental delay syndrome. Also called: Seizures, cortical blindness, and microcephaly syndrome. Identifiers: Orphanet 477814, MedGen C5567650, MONDO:0014714, OMIM 616632.
Autosomal dominant nonsyndromic hearing loss 1. Also called: KONIGSMARK SYNDROME; DEAFNESS, AUTOSOMAL DOMINANT 1, WITH OR WITHOUT THROMBOCYTOPENIA. Identifiers: Orphanet 90635, MedGen C1852282, MONDO:0007424, OMIM 124900.

Allele frequency attached by ClinVar (database versions not stated): TOPMed 0.00003.
gnomAD v4.1: 18 of 1,614,014 alleles (0.0011%); highest among the groups gnomAD compares: Admixed American, 0.02%; no homozygotes.

Submissions (3):

GeneDx
Classification: Uncertain significance. Last evaluated: 2025-10-15. Review status: criteria provided, single submitter. Criteria: GeneDx Variant Classification Process June 2021. Collection method: clinical testing. Allele origin: germline. Affected: yes.
Comment: In silico analysis suggests that this missense variant does not alter protein structure/function; Has not been previously published as pathogenic or benign to our knowledge

Labcorp Genetics (formerly Invitae), Labcorp
Classification: Uncertain significance for Progressive microcephaly-seizures-cortical blindness-developmental delay syndrome; Autosomal dominant nonsyndromic hearing loss 1. Last evaluated: 2025-07-23. Review status: criteria provided, single submitter. Criteria: Invitae Variant Classification Sherloc (09022015). Collection method: clinical testing. Allele origin: germline.
Comment: This sequence change replaces lysine, which is basic and polar, with arginine, which is basic and polar, at codon 480 of the DIAPH1 protein (p.Lys480Arg). This variant is present in population databases (rs547070097, gnomAD 0.04%). This variant has not been reported in the literature in individuals affected with DIAPH1-related conditions. ClinVar contains an entry for this variant (Variation ID: 1436332). Experimental studies and prediction algorithms are not available or were not evaluated, and the functional significance of this variant is currently unknown. In summary, the available evidence is currently insufficient to determine the role of this variant in disease. Therefore, it has been classified as a Variant of Uncertain Significance.

Department of Pathology and Laboratory Medicine, Sinai Health System
Classification: Uncertain significance for progressive microcephaly-seizures-cortical blindness-developmental delay syndrome. Last evaluated: 2022-02-10. Review status: criteria provided, single submitter. Criteria: ACMG Guidelines, 2015. Collection method: research. Allele origin: germline.